The following is an entry in ClinVar:

NM_001042492.3(NF1):c.6238A>G (p.Ile2080Val)

Gene: NF1 (neurofibromin 1; plus strand). Cytogenetic location: 17q11.2.
Variant type: single nucleotide variant.
Coding change: c.6238A>G on transcript NM_001042492.3 (MANE Select); coding-DNA position 6238, A replaced by G.
Protein change: p.Ile2080Val; replaces isoleucine 2080 with valine.
Molecular consequence: missense variant.
Genome position (GRCh38, 1-based): chr17:31,336,725, A>G. VCF-style: chr17-31336725-A-G. GRCh37 (hg19) VCF-style: chr17-29663743-A-G.
Other names: c.6175A>G, p.Ile2059Val (NM_000267.4); short protein forms I2059V, I2080V.
Identifiers: ClinVar variation 838238 (VCV000838238.11), dbSNP rs2069684102, ClinGen allele CA399012072.
Genomic context (GRCh38, chr17:31,336,725, plus strand): 5'-AAGACATGCTTATCTCCAACTCCTACTTTAGAACAACATCTTATGTGGGATGATATTGCT[A>G]TTTTAGCACGCTACATGCTGATGCTGTCCTTCAACAATTCCCTTGATGTGGCAGCTCATC-3'
Protein context (NP_001035957.1, residues 2070-2090): EQHLMWDDIA[Ile2080Val]LARYMLMLSF

ClinVar aggregate classification (germline): Uncertain significance. Review status: criteria provided, multiple submitters, no conflicts (2 of 4 stars). 3 submissions from 3 submitters: Uncertain significance (3). Last evaluated 2025-04-02.

Conditions:
Neurofibromatosis, type 1 (NF1). Also called: Peripheral type neurofibromatosis; Neurofibromatosis, type I; VON RECKLINGHAUSEN DISEASE; NEUROFIBROMATOSIS, TYPE I, SOMATIC. Identifiers: Orphanet 636, MedGen C0027831, MONDO:0018975, OMIM 162200. Disease mechanism: loss of function.
Café-au-lait macules with pulmonary stenosis (WTSN). Also called: PULMONIC STENOSIS WITH CAFE-AU-LAIT SPOTS. Identifiers: MedGen C0553586, MONDO:0008672, OMIM 193520.
Neurofibromatosis, familial spinal (FSNF). Identifiers: Orphanet 636, MedGen C1834235, MONDO:0008078, OMIM 162210. Disease mechanism: loss of function.
Juvenile myelomonocytic leukemia (JMML). Also called: LEUKEMIA, JUVENILE MYELOMONOCYTIC, SOMATIC. Identifiers: Orphanet 86834, MedGen C0349639, MONDO:0011908, OMIM 607785, HP:0012209.
Neurofibromatosis-Noonan syndrome (NFNS). Also called: NEUROFIBROMATOSIS WITH NOONAN PHENOTYPE. Identifiers: Orphanet 638, MedGen C2931482, MONDO:0011035, OMIM 601321. Disease mechanism: loss of function.
Hereditary cancer-predisposing syndrome. Also called: Neoplastic Syndromes, Hereditary; Hereditary neoplastic syndrome; Tumor predisposition; Hereditary Cancer Syndrome. Identifiers: Orphanet 140162, MedGen C0027672, MeSH D009386, MONDO:0015356.
Cardiovascular phenotype. Identifiers: MedGen CN230736.

gnomAD v4.1: 1 of 1,614,010 alleles (0.000062%); highest among the groups gnomAD compares: Non-Finnish European, 0.000085%; no homozygotes.

Submissions (3):

Labcorp Genetics (formerly Invitae), Labcorp
Classification: Uncertain significance for Neurofibromatosis, type 1. Last evaluated: 2025-04-02. Review status: criteria provided, single submitter. Criteria: Invitae Variant Classification Sherloc (09022015). Collection method: clinical testing. Allele origin: germline.
Comment: This sequence change replaces isoleucine, which is neutral and non-polar, with valine, which is neutral and non-polar, at codon 2059 of the NF1 protein (p.Ile2059Val). This variant is not present in population databases (gnomAD no frequency). This variant has not been reported in the literature in individuals affected with NF1-related conditions. ClinVar contains an entry for this variant (Variation ID: 838238). Invitae Evidence Modeling of protein sequence and biophysical properties (such as structural, functional, and spatial information, amino acid conservation, physicochemical variation, residue mobility, and thermodynamic stability) has been performed for this missense variant. However, the output from this modeling did not meet the statistical confidence thresholds required to predict the impact of this variant on NF1 protein function. In summary, the available evidence is currently insufficient to determine the role of this variant in disease. Therefore, it has been classified as a Variant of Uncertain Significance.

Ambry Genetics
Classification: Uncertain significance for Cardiovascular phenotype; Hereditary cancer-predisposing syndrome. Last evaluated: 2024-09-04. Review status: criteria provided, single submitter. Criteria: Ambry Variant Classification Scheme 2023. Collection method: clinical testing. Allele origin: germline.
Comment: The p.I2059V variant (also known as c.6175A>G), located in coding exon 41 of the NF1 gene, results from an A to G substitution at nucleotide position 6175. The isoleucine at codon 2059 is replaced by valine, an amino acid with highly similar properties. This amino acid position is highly conserved in available vertebrate species. In addition, the in silico prediction for this alteration is inconclusive. Since supporting evidence is limited at this time, the clinical significance of this alteration remains unclear.

Fulgent Genetics
Classification: Uncertain significance for Neurofibromatosis, type 1; Neurofibromatosis, familial spinal; Café-au-lait macules with pulmonary stenosis; Neurofibromatosis-Noonan syndrome; Juvenile myelomonocytic leukemia. Last evaluated: 2024-04-01. Review status: criteria provided, single submitter. Criteria: ACMG Guidelines, 2015. Collection method: clinical testing. Allele origin: germline.